The following is an entry in ClinVar:

NM_007294.4(BRCA1):c.3612del (p.Ala1206fs)

Genes: BRCA1 (BRCA1 DNA repair associated; minus strand), LOC126862571 (BRD4-independent group 4 enhancer GRCh37_chr17:41243136-41244335; plus strand). Cytogenetic location: 17q21.31.
Variant type: Deletion.
Coding change: c.3612del on transcript NM_007294.4 (MANE Select); coding-DNA position 3612, one base deleted (A; older notation c.3612delA).
Protein change: p.Ala1206fs; shifts the reading frame from alanine 1206.
Molecular consequence: frameshift variant. On other transcripts: intron variant (135).
Genome position (GRCh38, 1-based): chr17:43,091,919, T deleted on the plus strand (A on the coding strand, the reverse complement: BRCA1 is on the minus strand). VCF-style (leftmost placement, unchanged base first): chr17-43091918-CT-C. GRCh37 (hg19) VCF-style: chr17-41243935-CT-C.
Other names: 3731delA; c.3489del, p.Ala1165fs (NM_001407665.1, NM_001407666.1, NM_001407667.1 and 19 more transcripts); c.3486del, p.Ala1164fs (NM_001407670.1, NM_001407671.1, NM_001407672.1 and 11 more transcripts); c.3612del, p.Ala1206fs (NM_001407684.1, NM_001407854.1, NM_001407858.1 and 30 more transcripts); c.3471del, p.Ala1159fs (NM_001407692.1, NM_001407694.1, NM_001407695.1 and 29 more transcripts); c.3468del, p.Ala1158fs (NM_001407740.1, NM_001407741.1, NM_001407742.1 and 20 more transcripts); c.3399del, p.Ala1135fs (NM_001407853.1, NM_001407894.1, NM_001407895.1 and 9 more transcripts); c.3609del, p.Ala1205fs (NM_001407860.1, NM_001407861.1, NM_001407587.1 and 22 more transcripts); and 42 more; short protein forms A1159fs, A1206fs, A1117fs, A1136fs, A1164fs, A1165fs, A1203fs, A338fs.
Identifiers: ClinVar variation 37533 (VCV000037533.30), dbSNP rs80357980, ClinGen allele CA002307.
Genomic context (GRCh38, chr17:43,091,918, plus strand): 5'-AGGGAAGCTCTTCATCCTCACTAGATAAGTTCTCTTCTGAGGACTCTAATTTCTTGGCCC[CT>C]CTTCGGTAACCCTGAGCCAAATGTGTATGGGTGAAAGGGCTAGGACTCCTGCTAAGCTCT-3'

ClinVar aggregate classification (germline): Pathogenic. Review status: reviewed by expert panel (3 of 4 stars). 16 submissions from 16 submitters: Pathogenic (1). 15 of the submissions do not count toward it. Last evaluated 2016-09-08.

Conditions:
Hereditary cancer-predisposing syndrome. Also called: Tumor predisposition; Neoplastic Syndromes, Hereditary; Hereditary Cancer Syndrome; Hereditary neoplastic syndrome. Identifiers: Orphanet 140162, MedGen C0027672, MeSH D009386, MONDO:0015356.
Hereditary breast ovarian cancer syndrome. Also called: Hereditary breast and ovarian cancer syndrome (HBOC); Hereditary breast and ovarian cancer syndrome; Hereditary breast and ovarian cancer; Hereditary breast and/or ovarian cancer syndrome; Breast and ovarian cancer; BRCA1- and BRCA2-Associated Hereditary Breast and Ovarian Cancer. Identifiers: Orphanet 145, MedGen C0677776, MeSH D061325, MONDO:0003582. Disease mechanism: loss of function.
Breast-ovarian cancer, familial, susceptibility to, 1 (BROVCA1). Also called: OVARIAN CANCER, SUSCEPTIBILITY TO; BRCA1 Hereditary Breast and Ovarian Cancer. Identifiers: Orphanet 145, MedGen C2676676, MONDO:0011450, OMIM 604370. Disease mechanism: loss of function.

Submissions (16):

Evidence-based Network for the Interpretation of Germline Mutant Alleles (ENIGMA)
Classification: Pathogenic for Breast-ovarian cancer, familial, susceptibility to, 1. Last evaluated: 2016-09-08. Review status: reviewed by expert panel. Criteria: ENIGMA BRCA1/2 Classification Criteria (2015). Collection method: curation. Allele origin: germline.
Comment: Variant allele predicted to encode a truncated non-functional protein.

Ambry Genetics
Classification: Pathogenic for Hereditary cancer-predisposing syndrome. Last evaluated: 2025-12-15. Review status: criteria provided, single submitter. Criteria: Ambry Variant Classification Scheme 2023. Collection method: clinical testing. Allele origin: germline. Not counted in ClinVar's aggregate classification.
Comment: The c.3612delA pathogenic mutation, located in coding exon 9 of the BRCA1 gene, results from a deletion of one nucleotide at nucleotide position 3612, causing a translational frameshift with a predicted alternate stop codon (p.A1206Pfs*4). This variant has been reported in multiple individuals with a personal and/or family history of breast and/or ovarian cancer (Stoppa-Lyonnet D et al. Am. J. Hum. Genet. 1997 May;60:1021-30; Meindl A et al. Int. J. Cancer. 2002 Feb;97:472-80; Safra T et al. Ann. Oncol. 2013 Nov;24 Suppl 8:viii63-viii68). Of note, this alteration is also designated as 3731delA in published literature. This variant is considered to be rare based on population cohorts in the Genome Aggregation Database (gnomAD). This alteration is expected to result in loss of function by premature protein truncation or nonsense-mediated mRNA decay. As such, this alteration is interpreted as a disease-causing mutation.

Institute of Immunology and Genetics Kaiserslautern
Classification: Pathogenic for Breast-ovarian cancer, familial, susceptibility to, 1. Last evaluated: 2024-12-06. Review status: criteria provided, single submitter. Criteria: ACMG Guidelines, 2015. Collection method: clinical testing. Allele origin: germline. Affected: yes. Not counted in ClinVar's aggregate classification.
Comment: ACMG Criteria: PVS1, PS3, PM2, PP5_M; Variant was found in heterozygous state

GeneDx
Classification: Pathogenic. Last evaluated: 2024-11-24. Review status: criteria provided, single submitter. Criteria: GeneDx Variant Classification Process June 2021. Collection method: clinical testing. Allele origin: germline. Affected: yes. Not counted in ClinVar's aggregate classification.
Comment: Frameshift variant predicted to result in protein truncation or nonsense mediated decay in a gene for which loss of function is a known mechanism of disease; Not observed at significant frequency in large population cohorts (gnomAD); Truncating variants in this gene are considered pathogenic by a well-established clinical consortium and/or database; Also known as 3731del; This variant is associated with the following publications: (PMID: 9150149, 24131973)

Labcorp Genetics (formerly Invitae), Labcorp
Classification: Pathogenic for Hereditary breast ovarian cancer syndrome. Last evaluated: 2024-07-16. Review status: criteria provided, single submitter. Criteria: Invitae Variant Classification Sherloc (09022015). Collection method: clinical testing. Allele origin: germline. Not counted in ClinVar's aggregate classification.
Comment: This sequence change creates a premature translational stop signal (p.Ala1206Profs*4) in the BRCA1 gene. It is expected to result in an absent or disrupted protein product. Loss-of-function variants in BRCA1 are known to be pathogenic (PMID: 20104584). This variant is not present in population databases (gnomAD no frequency). This premature translational stop signal has been observed in individual(s) with breast and/or ovarian cancer (PMID: 9150149, 24131973). This variant is also known as c.3731delA. ClinVar contains an entry for this variant (Variation ID: 37533). For these reasons, this variant has been classified as Pathogenic.

Color Diagnostics, LLC DBA Color Health
Classification: Pathogenic for Hereditary cancer-predisposing syndrome. Last evaluated: 2023-03-17. Review status: criteria provided, single submitter. Criteria: ACMG Guidelines, 2015. Collection method: clinical testing. Allele origin: germline. Not counted in ClinVar's aggregate classification.
Comment: This variant deletes 1 nucleotide in exon 10 of the BRCA1 gene, creating a frameshift and premature translation stop signal. This variant is expected to result in an absent or non-functional protein product. This variant has been reported in individuals with breast and/or ovarian cancer (PMID: 9150149, 11802209, 24131973, 33471991). This variant has not been identified in the general population by the Genome Aggregation Database (gnomAD). Loss of BRCA1 function is a known mechanism of disease. Based on the available evidence, this variant is classified as Pathogenic.

Baylor Genetics
Classification: Pathogenic for Breast-ovarian cancer, familial, susceptibility to, 1. Last evaluated: 2022-10-26. Review status: criteria provided, single submitter. Criteria: ACMG Guidelines, 2015. Collection method: clinical testing. Allele origin: unknown. Not counted in ClinVar's aggregate classification.

Women's Health and Genetics/Laboratory Corporation of America, LabCorp
Classification: Pathogenic for Hereditary breast ovarian cancer syndrome. Last evaluated: 2022-02-28. Review status: criteria provided, single submitter. Criteria: LabCorp Variant Classification Summary - May 2015. Collection method: clinical testing. Allele origin: germline. Not counted in ClinVar's aggregate classification.
Comment: Variant summary: BRCA1 c.3612delA (p.Ala1206ProfsX4) results in a premature termination codon, predicted to cause a truncation of the encoded protein or absence of the protein due to nonsense mediated decay, which are commonly known mechanisms for disease. The variant was absent in 251168 control chromosomes (gnomAD). c.3612delA has been reported in the literature in multiple individuals affected with Hereditary Breast And Ovarian Cancer Syndrome (e.g. Rebbeck_2018, Safra_2013, Stoppa-Lyonnet_1997). These data indicate that the variant is very likely to be associated with disease. To our knowledge, no experimental evidence demonstrating an impact on protein function has been reported. Seven ClinVar submitters, including one expert panel (ENIGMA) have assessed the variant since 2014: all have classified the variant as pathogenic. Based on the evidence outlined above, the variant was classified as pathogenic.

Sema4
Classification: Pathogenic for Hereditary cancer-predisposing syndrome. Last evaluated: 2021-12-21. Review status: criteria provided, single submitter. Criteria: Sema4 Curation Guidelines. Collection method: curation. Allele origin: germline. Not counted in ClinVar's aggregate classification.
Comment: The BRCA1 c.3612delA (p.A1206PfsX4) variant has been reported in individuals with breast and/or ovarian cancer (PMID: 24131973, 11802209, 9150149). Additionally, in a large case-control study it was observed in 1/60466 cases and 0/53461 controls (PMID: 33471991). This variant causes a frameshift at amino acid 1206 that results in premature termination 4 amino acids downstream. At this location, this is predicted to cause nonsense-mediated decay and result in an absent protein (loss of function). Loss of function variants in BRCA1 or BRCA2 are known to be pathogenic (PMID: 29446198). This variant is not reported in the population database Genome Aggregation Database (PMID: 32461654). This variant has been reported in ClinVar (Variation ID: 37533). Based on the current evidence available, this variant is interpreted as pathogenic.

Revvity Omics, Revvity
Classification: Likely pathogenic. Last evaluated: 2021-12-16. Review status: criteria provided, single submitter. Criteria: ACMG Guidelines, 2015. Collection method: clinical testing. Allele origin: germline. Not counted in ClinVar's aggregate classification.

Institute of Medical Genetics and Applied Genomics, University Hospital Tübingen
Classification: Pathogenic. Last evaluated: 2020-10-23. Review status: criteria provided, single submitter. Criteria: ACMG Guidelines, 2015. Collection method: clinical testing. Allele origin: germline. Inheritance: Unknown mechanism. Affected: yes. Not counted in ClinVar's aggregate classification.

Quest Diagnostics Nichols Institute San Juan Capistrano
Classification: Pathogenic. Last evaluated: 2020-10-21. Review status: criteria provided, single submitter. Criteria: Quest Diagnostics criteria. Collection method: clinical testing. Allele origin: unknown. Not counted in ClinVar's aggregate classification.
Comment: This frameshift variant has been reported in individuals suspected of having hereditary breast and/or ovarian cancer syndrome in the published literature (PMID: 24131973 (2002), 11802209 (2002), 9150149 (1997)). This variant has not been reported in large, multi-ethnic general populations. Based on the available information, this variant is classified as pathogenic.

Consortium of Investigators of Modifiers of BRCA1/2 (CIMBA), c/o University of Cambridge
Classification: Pathogenic for Breast-ovarian cancer, familial, susceptibility to, 1. Last evaluated: 2015-10-02. Review status: criteria provided, single submitter. Criteria: CIMBA Mutation Classification guidelines May 2016. Collection method: clinical testing. Allele origin: germline. Not counted in ClinVar's aggregate classification.

BRCAlab, Lund University
Classification: Pathogenic for Breast-ovarian cancer, familial, susceptibility to, 1. Last evaluated: 2020-03-02. Review status: no assertion criteria provided. Collection method: clinical testing. Allele origin: germline. Affected: yes. Not counted in ClinVar's aggregate classification.

Sharing Clinical Reports Project (SCRP)
Classification: Pathogenic for Breast-ovarian cancer, familial 1. Last evaluated: 2012-05-18. Review status: no assertion criteria provided. Collection method: clinical testing. Allele origin: germline. Not counted in ClinVar's aggregate classification.

Breast Cancer Information Core (BIC) (BRCA1)
Classification: Pathogenic for Breast-ovarian cancer, familial 1. Last evaluated: 2002-05-29. Review status: no assertion criteria provided. Collection method: clinical testing. Allele origin: germline, somatic. Affected: yes. Observed: 13 variant alleles. Not counted in ClinVar's aggregate classification.

Literature cited by the submitters: PubMed 11802209 (cited by 4 submitters); PubMed 24131973 (cited by 6 submitters); PubMed 9150149 (cited by 6 submitters); PubMed 20104584 (cited by Labcorp Genetics (formerly Invitae), Labcorp); PubMed 33471991 (cited by 3 submitters); PubMed 22762150 (cited by Women's Health and Genetics/Laboratory Corporation of America, LabCorp); PubMed 9274454 (cited by Women's Health and Genetics/Laboratory Corporation of America, LabCorp); PubMed 11013445 (cited by Women's Health and Genetics/Laboratory Corporation of America, LabCorp); PubMed 29446198 (cited by Women's Health and Genetics/Laboratory Corporation of America, LabCorp and Sema4).